The following is an entry in ClinVar:

ClinVar aggregate classification (germline): Conflicting classifications of pathogenicity. Review status: criteria provided, conflicting classifications (1 of 4 stars). 5 submissions from 5 submitters: Uncertain significance (1); Likely benign (4). Last evaluated 2026-04-30.

Conditions:
Inborn genetic diseases. Identifiers: MedGen C0950123, MeSH D030342.
PLCB1-related disorder. Also called: PLCB1-related condition.
Developmental and epileptic encephalopathy, 12 (DEE12). Identifiers: MedGen C3150988, MONDO:0013389, OMIM 613722.

Allele frequency attached by ClinVar (database versions not stated): ESP Exome Variant Server 0.00031; gnomAD exomes 0.00044 and 0.00088; TOPMed 0.00045; gnomAD 0.00046 and 0.00070; ExAC 0.00058; 1000 Genomes Project 30x 0.00172; 1000 Genomes Project 0.00200.
gnomAD v4.1: 1,371 of 1,609,810 alleles (0.085%); highest among the groups gnomAD compares: East Asian, 2.3%; 33 homozygotes.

Submissions (5):

PreventionGenetics, part of Exact Sciences
Classification: Likely benign for PLCB1-related condition. Last evaluated: 2026-04-30. Review status: criteria provided, single submitter. Criteria: ACMG Guidelines, 2015. Collection method: clinical testing. Allele origin: germline.
Comment: This variant is classified as likely benign based on ACMG/AMP sequence variant interpretation guidelines (Richards et al. 2015 PMID: 25741868, with internal and published modifications).

Labcorp Genetics (formerly Invitae), Labcorp
Classification: Likely benign for Developmental and epileptic encephalopathy, 12. Last evaluated: 2026-01-28. Review status: criteria provided, single submitter. Criteria: Invitae Variant Classification Sherloc (09022015). Collection method: clinical testing. Allele origin: germline.

Blueprint Genetics
Classification: Likely benign. Last evaluated: 2024-11-07. Review status: criteria provided, single submitter. Criteria: ACMG Guidelines, 2015. Collection method: clinical testing. Allele origin: germline.

Illumina Laboratory Services, Illumina
Classification: Uncertain significance for Developmental and epileptic encephalopathy, 12. Last evaluated: 2018-01-12. Review status: criteria provided, single submitter. Criteria: ICSL Variant Classification Criteria 13 December 2019. Collection method: clinical testing. Allele origin: germline.

Ambry Genetics
Classification: Likely benign for Inborn genetic diseases. Last evaluated: 2016-04-20. Review status: criteria provided, single submitter. Criteria: Ambry Variant Classification Scheme 2023. Collection method: clinical testing. Allele origin: germline.

NM_015192.4(PLCB1):c.627A>G (p.Pro209=)

Gene: PLCB1 (phospholipase C beta 1; plus strand). Cytogenetic location: 20p12.3.
Variant type: single nucleotide variant.
Coding change: c.627A>G on transcript NM_015192.4 (MANE Select); coding-DNA position 627, A replaced by G.
Protein change: p.Pro209=; no amino-acid change (proline 209 retained).
Molecular consequence: synonymous variant.
Genome position (GRCh38, 1-based): chr20:8,657,216, A>G. VCF-style: chr20-8657216-A-G. GRCh37 (hg19) VCF-style: chr20-8637863-A-G.
Other names: c.627A>G, p.Pro209= (NM_182734.3).
Identifiers: ClinVar variation 339497 (VCV000339497.23), dbSNP rs151006778, ClinGen allele CA9759784.